The following is an entry in ClinVar:

NM_006060.6(IKZF1):c.1174A>C (p.Asn392His)

Gene: IKZF1 (IKAROS family zinc finger 1; plus strand). Cytogenetic location: 7p12.2.
Variant type: single nucleotide variant.
Coding change: c.1174A>C on transcript NM_006060.6 (MANE Select); coding-DNA position 1174, A replaced by C.
Protein change: p.Asn392His; replaces asparagine 392 with histidine.
Molecular consequence: missense variant.
Genome position (GRCh38, 1-based): chr7:50,400,241, A>C. VCF-style: chr7-50400241-A-C. GRCh37 (hg19) VCF-style: chr7-50467939-A-C.
Other names: c.1048A>C, p.Asn350His (NM_001220765.3, NM_001291837.2); c.883A>C, p.Asn295His (NM_001220767.2); c.913A>C, p.Asn305His (NM_001220768.2, NM_001291838.2); c.757A>C, p.Asn253His (NM_001220770.2); c.745A>C, p.Asn249His (NM_001220771.2, NM_001291841.1); c.787A>C, p.Asn263His (NM_001291839.2); c.484A>C, p.Asn162His (NM_001291840.1); c.715A>C, p.Asn239His (NM_001291842.1); and 3 more; short protein forms N350H, N207H, N239H, N305H, N162H, N249H, N253H, N412H.
Identifiers: ClinVar variation 2874967 (VCV002874967.3), dbSNP rs769512073, ClinGen allele CA4261469.
Genomic context (GRCh38, chr7:50,400,241, plus strand): 5'-AACCTGCTGCTGCTCTCCAAGGCCAAGTTGGTGCCCTCGGAGCGCGAGGCGTCCCCGAGC[A>C]ACAGCTGCCAAGACTCCACGGACACCGAGAGCAACAACGAGGAGCAGCGCAGCGGTCTCA-3'
Protein context (NP_006051.1, residues 382-402): VPSEREASPS[Asn392His]SCQDSTDTES

ClinVar aggregate classification (germline): Uncertain significance (1 of 4 stars; one submission).

Allele frequency attached by ClinVar (database versions not stated): gnomAD exomes below 0.00001; ExAC 0.00003; TOPMed 0.00007; gnomAD 0.00008.
gnomAD v4.1: 14 of 1,609,058 alleles (0.00087%); highest among the groups gnomAD compares: African/African-American, 0.017%; no homozygotes.

Submission:

Labcorp Genetics (formerly Invitae), Labcorp
Classification: Uncertain significance. Last evaluated: 2024-11-11. Review status: criteria provided, single submitter. Criteria: Invitae Variant Classification Sherloc (09022015). Collection method: clinical testing. Allele origin: germline.
Comment: This sequence change replaces asparagine, which is neutral and polar, with histidine, which is basic and polar, at codon 392 of the IKZF1 protein (p.Asn392His). This variant is present in population databases (rs769512073, gnomAD 0.01%). This variant has not been reported in the literature in individuals affected with IKZF1-related conditions. ClinVar contains an entry for this variant (Variation ID: 2874967). An algorithm developed to predict the effect of missense changes on protein structure and function outputs the following: PolyPhen-2: "Benign". The histidine amino acid residue is found in multiple mammalian species, which suggests that this missense change does not adversely affect protein function. In summary, the available evidence is currently insufficient to determine the role of this variant in disease. Therefore, it has been classified as a Variant of Uncertain Significance.